The following is an entry in ClinVar:

ClinVar aggregate classification (germline): Uncertain significance. Review status: criteria provided, multiple submitters, no conflicts (2 of 4 stars). 2 submissions from 2 submitters: Uncertain significance (2). Last evaluated 2025-05-06.

Conditions:
Inborn genetic diseases. Identifiers: MedGen C0950123, MeSH D030342.

Allele frequency attached by ClinVar (database versions not stated): gnomAD exomes 0.00004; gnomAD 0.00005; ExAC 0.00006; TOPMed 0.00007; ESP Exome Variant Server 0.00008.
gnomAD v4.1: 70 of 1,611,128 alleles (0.0043%); highest among the groups gnomAD compares: Admixed American, 0.012%; no homozygotes.

Submissions (2):

Labcorp Genetics (formerly Invitae), Labcorp
Classification: Uncertain significance. Last evaluated: 2025-05-06. Review status: criteria provided, single submitter. Criteria: Invitae Variant Classification Sherloc (09022015). Collection method: clinical testing. Allele origin: germline.
Comment: This sequence change replaces arginine, which is basic and polar, with tryptophan, which is neutral and slightly polar, at codon 51 of the COL27A1 protein (p.Arg51Trp). This variant is present in population databases (rs371597072, gnomAD 0.009%). This variant has not been reported in the literature in individuals affected with COL27A1-related conditions. ClinVar contains an entry for this variant (Variation ID: 3147516). Invitae Evidence Modeling of protein sequence and biophysical properties (such as structural, functional, and spatial information, amino acid conservation, physicochemical variation, residue mobility, and thermodynamic stability) indicates that this missense variant is not expected to disrupt COL27A1 protein function with a negative predictive value of 95%. In summary, the available evidence is currently insufficient to determine the role of this variant in disease. Therefore, it has been classified as a Variant of Uncertain Significance.

Ambry Genetics
Classification: Uncertain significance for Inborn genetic diseases. Last evaluated: 2023-12-22. Review status: criteria provided, single submitter. Criteria: Ambry Variant Classification Scheme 2023. Collection method: clinical testing. Allele origin: germline.

NM_032888.4(COL27A1):c.151C>T (p.Arg51Trp)

Gene: COL27A1 (collagen type XXVII alpha 1 chain; plus strand). Cytogenetic location: 9q32.
Variant type: single nucleotide variant.
Coding change: c.151C>T on transcript NM_032888.4 (MANE Select); coding-DNA position 151, C replaced by T.
Protein change: p.Arg51Trp; replaces arginine 51 with tryptophan.
Molecular consequence: missense variant.
Genome position (GRCh38, 1-based): chr9:114,167,706, C>T. VCF-style: chr9-114167706-C-T. GRCh37 (hg19) VCF-style: chr9-116929986-C-T.
Other names: short protein forms R51W.
Identifiers: ClinVar variation 3147516 (VCV003147516.2), dbSNP rs371597072, ClinGen allele CA5201058.